The following is an entry in ClinVar:

NM_000441.2(SLC26A4):c.944A>G (p.Tyr315Cys)

Gene: SLC26A4 (solute carrier family 26 member 4; plus strand). Cytogenetic location: 7q22.3.
Variant type: single nucleotide variant.
Coding change: c.944A>G on transcript NM_000441.2 (MANE Select); coding-DNA position 944, A replaced by G.
Protein change: p.Tyr315Cys; replaces tyrosine 315 with cysteine.
Molecular consequence: missense variant.
Genome position (GRCh38, 1-based): chr7:107,683,480, A>G. VCF-style: chr7-107683480-A-G. GRCh37 (hg19) VCF-style: chr7-107323925-A-G.
Other names: short protein forms Y315C.
Identifiers: ClinVar variation 2165105 (VCV002165105.3), dbSNP rs1407294004, ClinGen allele CA368835729.
Genomic context (GRCh38, chr7:107,683,480, plus strand): 5'-CAATGGAGTTTTTAACATCTTTTGTTTTATTTCAGACGATAATTGCTACTGCCATTTCAT[A>G]TGGAGCCAACCTGGAAAAAAATTACAATGCTGGCATTGTTAAATCCATCCCAAGGGGGTG-3'
Protein context (NP_000432.1, residues 305-325): IVTIIATAIS[Tyr315Cys]GANLEKNYNA

ClinVar aggregate classification (germline): Uncertain significance (1 of 4 stars; one submission).

gnomAD v4.1: 6 of 1,613,952 alleles (0.00037%); highest among the groups gnomAD compares: Admixed American, 0.01%; no homozygotes.

Submission:

Labcorp Genetics (formerly Invitae), Labcorp
Classification: Uncertain significance. Last evaluated: 2025-06-12. Review status: criteria provided, single submitter. Criteria: Invitae Variant Classification Sherloc (09022015). Collection method: clinical testing. Allele origin: germline.
Comment: This sequence change replaces tyrosine, which is neutral and polar, with cysteine, which is neutral and slightly polar, at codon 315 of the SLC26A4 protein (p.Tyr315Cys). This variant is present in population databases (no rsID available, gnomAD 0.02%). This variant has not been reported in the literature in individuals affected with SLC26A4-related conditions. ClinVar contains an entry for this variant (Variation ID: 2165105). Invitae Evidence Modeling of protein sequence and biophysical properties (such as structural, functional, and spatial information, amino acid conservation, physicochemical variation, residue mobility, and thermodynamic stability) indicates that this missense variant is expected to disrupt SLC26A4 protein function with a positive predictive value of 95%. In summary, the available evidence is currently insufficient to determine the role of this variant in disease. Therefore, it has been classified as a Variant of Uncertain Significance.